The following is an entry in ClinVar:

NM_000169.3(GLA):c.268T>C (p.Cys90Arg)

Genes: GLA (galactosidase alpha; minus strand), RPL36A-HNRNPH2 (RPL36A-HNRNPH2 readthrough; plus strand). Cytogenetic location: Xq22.1.
Variant type: single nucleotide variant.
Coding change: c.268T>C on transcript NM_000169.3 (MANE Select); coding-DNA position 268, T replaced by C.
Protein change: p.Cys90Arg; replaces cysteine 90 with arginine.
Molecular consequence: missense variant. On other transcripts: non-coding transcript variant (3), intron variant (2).
Genome position (GRCh38, 1-based): chrX:101,403,912, A>G on the plus strand (T>C on the coding strand, the complement: GLA is on the minus strand). VCF-style: chrX-101403912-A-G. GRCh37 (hg19) VCF-style: chrX-100658900-A-G.
Other names: c.391T>C, p.Cys131Arg (NM_001406747.1, NM_001406749.1); c.268T>C, p.Cys90Arg (NM_001406748.1); c.301-8024A>G (NM_001199973.2); c.178-8024A>G (NM_001199974.2); short protein forms C90R, C131R.
Identifiers: ClinVar variation 280974 (VCV000280974.8), dbSNP rs886044767, ClinGen allele CA10603766.

ClinVar aggregate classification (germline): Conflicting classifications of pathogenicity. Review status: criteria provided, conflicting classifications (1 of 4 stars). 3 submissions from 3 submitters: Pathogenic (1); Likely pathogenic (1); Uncertain significance (1). Last evaluated 2026-09-08.

Conditions:
Fabry disease. Also called: Ceramide trihexosidosis; Angiokeratoma corporis diffusum; ALPHA-GALACTOSIDASE A DEFICIENCY; ANDERSON-FABRY DISEASE; CERAMIDE TRIHEXOSIDASE DEFICIENCY; GLA DEFICIENCY. Identifiers: Orphanet 324, MedGen C0002986, MONDO:0010526, OMIM 301500, HP:0001071. Disease mechanism: loss of function, Fabry disease is due to inactivating mutations in the X-linked GLA gene resulting in deficiency of the enzyme Alpha Galactosidase-A..

Submissions (3):

Genomenon, Inc
Classification: Pathogenic for Fabry disease. Last evaluated: 2026-09-08. Review status: criteria provided, single submitter. Criteria: Genomenon Sequence Variant Interpretation Standards - Updated. Collection method: curation. Allele origin: germline. Affected: yes.
Comment: GLA p.Cys90Arg (c.268T>C) is a missense variant that changes the amino acid at codon 90 from Cysteine to Arginine. This variant has been observed in at least one proband with clinical features consistent with Fabry disease (PMID:38050656). At least one functional study has demonstrated a substantial alteration in protein function relative to the wild-type (PMID:26044846;27657681). This variant is located in a mutational hotspot and/or important functional domain. It is absent or not present at a significant frequency in gnomAD. In silico models predict that this variant is possibly or probably damaging. In conclusion, we classify GLA p.Cys90Arg (c.268T>C) as a pathogenic variant.

MVZ Martinsried, Medicover Genetics
Classification: Likely pathogenic for Fabry disease. Last evaluated: 2026-08-20. Review status: criteria provided, single submitter. Criteria: ClinGen Variant Curation SOP V3.2 + Classification Guidance July2025. Collection method: clinical testing. Allele origin: unknown. Affected: yes. Observed: 1 heterozygote.

Eurofins Ntd Llc (ga)
Classification: Uncertain significance. Last evaluated: 2017-04-12. Review status: criteria provided, single submitter. Criteria: EGL Classification Definitions 2015. Collection method: clinical testing. Allele origin: germline. Observed: 1 variant allele, 1 heterozygote.

Literature cited by the submitters: PubMed 38050656 (cited by Genomenon, Inc); PubMed 26044846 (cited by Genomenon, Inc); PubMed 27657681 (cited by Genomenon, Inc).